The following is an entry in ClinVar:

NM_019112.4(ABCA7):c.568C>G (p.Leu190Val)

Gene: ABCA7 (ATP binding cassette subfamily A member 7; plus strand). Cytogenetic location: 19p13.3.
Variant type: single nucleotide variant.
Coding change: c.568C>G on transcript NM_019112.4 (MANE Select); coding-DNA position 568, C replaced by G.
Protein change: p.Leu190Val; replaces leucine 190 with valine.
Molecular consequence: missense variant.
Genome position (GRCh38, 1-based): chr19:1,042,815, C>G. VCF-style: chr19-1042815-C-G. GRCh37 (hg19) VCF-style: chr19-1042814-C-G.
Other names: short protein forms L190V.
Identifiers: ClinVar variation 4978304 (VCV004978304.1).
Genomic context (GRCh38, chr19:1,042,815, plus strand): 5'-GGGTTGGCACTGGGCCAAGCCCAGGAGCCCTTGCACAGCTTGTTGGAGGCCGCTGAGGAC[C>G]TGGCCCAGGAGGTACGAGGCCCCACTCATCCTCAACCCCCATGGAGGCAACGTTGGCAGG-3'
Protein context (NP_061985.2, residues 180-200): LHSLLEAAED[Leu190Val]AQELLALRSL

ClinVar aggregate classification (germline): Uncertain significance (1 of 4 stars; one submission).

Conditions:
ABCA7-related disorder. Also called: ABCA7-related condition.

gnomAD v4.1: 16 of 1,607,446 alleles (0.001%); highest among the groups gnomAD compares: Non-Finnish European, 0.0014%; no homozygotes.

Submission:

PreventionGenetics, part of Exact Sciences
Classification: Uncertain significance for ABCA7-related condition. Last evaluated: 2025-03-08. Review status: criteria provided, single submitter. Criteria: ACMG Guidelines, 2015. Collection method: clinical testing. Allele origin: germline.
Comment: The ABCA7 c.568C>G variant is predicted to result in the amino acid substitution p.Leu190Val. To our knowledge, this variant has not been reported in the literature. This variant is reported in 0.0054% of alleles in individuals of European (Non-Finnish) descent in gnomAD. At this time, the clinical significance of this variant is uncertain due to the absence of conclusive functional and genetic evidence.